The following is an entry in ClinVar:

NM_007294.4(BRCA1):c.693_705delinsAAATC (p.Asp232fs)

Gene: BRCA1 (BRCA1 DNA repair associated; minus strand). Cytogenetic location: 17q21.31.
Variant type: Indel.
Coding change: c.693_705delinsAAATC on transcript NM_007294.4 (MANE Select); coding-DNA positions 693 to 705, GGATGTAACAAAT replaced by AAATC.
Protein change: p.Asp232fs; shifts the reading frame from aspartic acid 232.
Molecular consequence: frameshift variant. On other transcripts: intron variant (13), 5 prime UTR variant (2).
Genome position (GRCh38, 1-based): chr17:43,094,826-43,094,838, ATTTGTTACATCC replaced by GATTT on the plus strand (GGATGTAACAAAT replaced by AAATC on the coding strand, the reverse complement: BRCA1 is on the minus strand). VCF-style: chr17-43094826-ATTTGTTACATCC-GATTT. GRCh37 (hg19) VCF-style: chr17-41246843-ATTTGTTACATCC-GATTT.
Other names: c.552_564delinsAAATC, p.Asp185fs (NM_001408452.1, NM_001408453.1, NM_001408454.1 and 43 more transcripts); c.567_579delinsAAATC, p.Asp190fs (NM_001408447.1, NM_001408446.1, NM_001408448.1 and 20 more transcripts); c.558_570delinsAAATC, p.Asp187fs (NM_001408451.1); c.690_702delinsAAATC, p.Asp231fs (NM_001408392.1, NM_001408396.1, NM_001408397.1 and 38 more transcripts); c.693_705delinsAAATC, p.Asp232fs (NM_001408403.1, NM_001408404.1, NM_001408406.1 and 53 more transcripts); c.684_696delinsAAATC, p.Asp229fs (NM_001408408.1, NM_001407646.1, NM_001407647.1); c.615_627delinsAAATC, p.Asp206fs (NM_001408409.1, NM_001408411.1, NM_001408412.1 and 9 more transcripts); c.612_624delinsAAATC, p.Asp205fs (NM_001408413.1, NM_001408416.1, NM_001407659.1 and 3 more transcripts); and 21 more; short protein forms D165fs, D187fs, D190fs, D229fs, D64fs, D105fs, D121fs, D144fs.
Identifiers: ClinVar variation 3895750 (VCV003895750.1).

ClinVar aggregate classification (germline): Pathogenic (1 of 4 stars; one submission).

Conditions:
Hereditary breast ovarian cancer syndrome. Also called: Hereditary breast and ovarian cancer syndrome; Hereditary breast and/or ovarian cancer syndrome; Hereditary breast and ovarian cancer; Hereditary breast and ovarian cancer syndrome (HBOC); BRCA1- and BRCA2-Associated Hereditary Breast and Ovarian Cancer; Breast and ovarian cancer. Identifiers: Orphanet 145, MedGen C0677776, MeSH D061325, MONDO:0003582. Disease mechanism: loss of function.

Submission:

Women's Health and Genetics/Laboratory Corporation of America, LabCorp
Classification: Pathogenic for Hereditary breast ovarian cancer syndrome. Last evaluated: 2025-03-10. Review status: criteria provided, single submitter. Criteria: LabCorp Variant Classification Summary - May 2015. Collection method: clinical testing. Allele origin: germline.
Comment: Variant summary: BRCA1 c.693_705delinsAAATC (p.Asp232AsnfsX3) results in a premature termination codon, predicted to cause a truncation of the encoded protein or absence of the protein due to nonsense mediated decay, which are commonly known mechanisms for disease. The variant was absent in 1613780 control chromosomes. To our knowledge, no occurrence of c.693_705delinsAAATC in individuals affected with Hereditary Breast And Ovarian Cancer Syndrome and no experimental evidence demonstrating its impact on protein function have been reported. No submitters have cited clinical-significance assessments for this variant to ClinVar. Based on the evidence outlined above, the variant was classified as pathogenic.